The following is an entry in ClinVar:

ClinVar aggregate classification (germline): Conflicting classifications of pathogenicity. Review status: criteria provided, conflicting classifications (1 of 4 stars). 7 submissions from 7 submitters: Uncertain significance (1); Likely benign (5). 1 of the submissions does not count toward it. Last evaluated 2025-12-28.

Conditions:
CLRN1-related disorder. Also called: CLRN1-related condition.
Usher syndrome type 3. Also called: Usher Syndrome, Type III. Identifiers: Orphanet 231183, MedGen C1568248, MONDO:0016485.

Allele frequency attached by ClinVar (database versions not stated): ESP Exome Variant Server 0.00015; TOPMed 0.00015; 1000 Genomes Project 30x 0.00016; gnomAD 0.00016; 1000 Genomes Project 0.00020.
gnomAD v4.1: 690 of 1,614,158 alleles (0.043%); highest among the groups gnomAD compares: Non-Finnish European, 0.056%; no homozygotes.

Submissions (7):

Labcorp Genetics (formerly Invitae), Labcorp
Classification: Likely benign. Last evaluated: 2025-12-28. Review status: criteria provided, single submitter. Criteria: Invitae Variant Classification Sherloc (09022015). Collection method: clinical testing. Allele origin: germline.

PreventionGenetics, part of Exact Sciences
Classification: Likely benign for CLRN1-related condition. Last evaluated: 2025-02-19. Review status: criteria provided, single submitter. Criteria: ACMG Guidelines, 2015. Collection method: clinical testing. Allele origin: germline.
Comment: This variant is classified as likely benign based on ACMG/AMP sequence variant interpretation guidelines (Richards et al. 2015 PMID: 25741868, with internal and published modifications).

Blueprint Genetics
Classification: Likely benign. Last evaluated: 2023-12-06. Review status: criteria provided, single submitter. Criteria: ACMG Guidelines, 2015. Collection method: clinical testing. Allele origin: germline.

GeneDx
Classification: Likely benign. Last evaluated: 2020-09-29. Review status: criteria provided, single submitter. Criteria: GeneDx Variant Classification Process June 2021. Collection method: clinical testing. Allele origin: germline. Affected: yes.

Laboratory for Molecular Medicine, Mass General Brigham Personalized Medicine
Classification: Likely benign. Last evaluated: 2016-10-13. Review status: criteria provided, single submitter. Criteria: LMM Criteria. Collection method: clinical testing. Allele origin: germline. Observed: 2 variant alleles.
Comment: p.Leu76Leu in exon 1 of CLRN1: This variant is not expected to have clinical sig nificance because it does not alter an amino acid residue and is not located wit hin the splice consensus sequence. It has been identified in 24/66702 European c hromosomes by the Exome Aggregation Consortium (ExAC .org; dbSNP rs139829306).

Eurofins Ntd Llc (ga)
Classification: Uncertain significance. Last evaluated: 2016-09-21. Review status: criteria provided, single submitter. Criteria: EGL Classification Definitions 2015. Collection method: clinical testing. Allele origin: germline. Observed: 1 variant allele, 1 heterozygote.

Natera, Inc.
Classification: Uncertain significance for Usher syndrome type 3. Last evaluated: 2020-01-24. Review status: no assertion criteria provided. Collection method: clinical testing. Allele origin: germline. Not counted in ClinVar's aggregate classification.

NM_174878.3(CLRN1):c.226T>C (p.Leu76=)

Gene: CLRN1 (clarin 1; minus strand). Cytogenetic location: 3q25.1.
Variant type: single nucleotide variant.
Coding change: c.226T>C on transcript NM_174878.3 (MANE Select); coding-DNA position 226, T replaced by C.
Protein change: p.Leu76=; no amino-acid change (leucine 76 retained).
Molecular consequence: synonymous variant. On other transcripts: non-coding transcript variant (1).
Genome position (GRCh38, 1-based): chr3:150,972,483, A>G on the plus strand (T>C on the coding strand, the complement: CLRN1 is on the minus strand). VCF-style: chr3-150972483-A-G. GRCh37 (hg19) VCF-style: chr3-150690270-A-G.
Other names: c.226T>C, p.Leu76= (NM_001195794.1, NM_001256819.2).
Identifiers: ClinVar variation 227257 (VCV000227257.23), dbSNP rs139829306, ClinGen allele CA2666188.